The following is an entry in ClinVar:

NC_000021.8:g.(?_45194083)_(45196150_?)del

Gene: CSTB (cystatin B; minus strand). Cytogenetic location: 21q22.3.
Variant type: Deletion.
Identifiers: ClinVar variation 1074795 (VCV001074795.1).

ClinVar aggregate classification (germline): Pathogenic (1 of 4 stars; one submission).

Conditions:
Progressive myoclonic epilepsy. Also called: Familial progressive myoclonic epilepsy; Myoclonus epilepsy; Progressive myoclonus epilepsy; Myoclonic Epilepsies, Progressive. Identifiers: Orphanet 308, Orphanet 98261, MedGen C0751778, MONDO:0020074.

Submission:

Labcorp Genetics (formerly Invitae), Labcorp
Classification: Pathogenic for Progressive myoclonic epilepsy. Last evaluated: 2020-08-10. Review status: criteria provided, single submitter. Criteria: Invitae Variant Classification Sherloc (09022015). Collection method: clinical testing. Allele origin: germline.
Comment: A gross deletion of the genomic region encompassing the full coding sequence of the CSTB gene has been identified. The boundaries of this event are unknown as the deletion extends beyond the assayed region for this gene and therefore may encompass additional genes. This variant has not been reported in the literature in individuals with CSTB-related conditions. Loss-of-function variants in CSTB are known to be pathogenic (PMID: 8596935). For these reasons, this variant has been classified as Pathogenic.

Literature cited by the submitters: PubMed 8596935.